The following is an entry in ClinVar:

ClinVar aggregate classification (germline): Pathogenic/Likely pathogenic. Review status: criteria provided, multiple submitters, no conflicts (2 of 4 stars). 3 submissions from 3 submitters: Pathogenic (1); Likely pathogenic (1). 1 of the submissions does not count toward it. Last evaluated 2022-08-22.

Conditions:
SDCCAG8-related disorder. Also called: SDCCAG8-Related Disorders; SDCCAG8-related condition.
Senior-Loken syndrome 7 (SLSN7). Identifiers: Orphanet 3156, MedGen C3150877, MONDO:0013326, OMIM 613615.
Bardet-Biedl syndrome 16 (BBS16). Identifiers: Orphanet 110, MedGen C3889474, MONDO:0014444, OMIM 615993.

Allele frequency attached by ClinVar (database versions not stated): gnomAD exomes 0.00001; TOPMed 0.00001.
gnomAD v4.1: 15 of 1,613,518 alleles (0.00093%); highest among the groups gnomAD compares: Non-Finnish European, 0.0013%; no homozygotes.

Submissions (3):

Labcorp Genetics (formerly Invitae), Labcorp
Classification: Pathogenic for Bardet-Biedl syndrome 16; Senior-Loken syndrome 7. Last evaluated: 2022-08-22. Review status: criteria provided, single submitter. Criteria: Invitae Variant Classification Sherloc (09022015). Collection method: clinical testing. Allele origin: germline.
Comment: This sequence change creates a premature translational stop signal (p.Gln383*) in the SDCCAG8 gene. It is expected to result in an absent or disrupted protein product. Loss-of-function variants in SDCCAG8 are known to be pathogenic (PMID: 20835237, 22190896). This variant is not present in population databases (gnomAD no frequency). This variant has not been reported in the literature in individuals affected with SDCCAG8-related conditions. ClinVar contains an entry for this variant (Variation ID: 1071556). Algorithms developed to predict the effect of sequence changes on RNA splicing suggest that this variant may create or strengthen a splice site. For these reasons, this variant has been classified as Pathogenic.

Fulgent Genetics
Classification: Likely pathogenic for Senior-Loken syndrome 7; Bardet-Biedl syndrome 16. Last evaluated: 2022-03-14. Review status: criteria provided, single submitter. Criteria: ACMG Guidelines, 2015. Collection method: clinical testing. Allele origin: unknown.

PreventionGenetics, part of Exact Sciences
Classification: Likely pathogenic for SDCCAG8-related condition. Last evaluated: 2024-02-27. Review status: no assertion criteria provided. Collection method: clinical testing. Allele origin: germline. Not counted in ClinVar's aggregate classification.
Comment: The SDCCAG8 c.1147C>T variant is predicted to result in premature protein termination (p.Gln383*). This variant has not been reported in a large population database, indicating this variant is rare. Nonsense variants in SDCCAG8 are expected to be pathogenic. This variant is interpreted as likely pathogenic.

Literature cited by the submitters: PubMed 20835237 (cited by Labcorp Genetics (formerly Invitae), Labcorp); PubMed 22190896 (cited by Labcorp Genetics (formerly Invitae), Labcorp).

NM_006642.5(SDCCAG8):c.1147C>T (p.Gln383Ter)

Gene: SDCCAG8 (SHH signaling and ciliogenesis regulator SDCCAG8; plus strand). Cytogenetic location: 1q43.
Variant type: single nucleotide variant.
Coding change: c.1147C>T on transcript NM_006642.5 (MANE Select); coding-DNA position 1147, C replaced by T.
Protein change: p.Gln383Ter; replaces glutamine 383 with a stop codon.
Molecular consequence: nonsense.
Genome position (GRCh38, 1-based): chr1:243,330,618, C>T. VCF-style: chr1-243330618-C-T. GRCh37 (hg19) VCF-style: chr1-243493920-C-T.
Other names: c.244C>T, p.Gln82Ter (NM_001350247.2, NM_001350251.2, NM_001350246.2); c.1243C>T, p.Gln415Ter (NM_001350248.2); c.853C>T, p.Gln285Ter (NM_001350249.2); c.1147C>T (NM_006642.3); short protein forms Q285*, Q383*, Q415*, Q82*.
Identifiers: ClinVar variation 1071556 (VCV001071556.9), dbSNP rs964673995, ClinGen allele CA40445209.